The following is an entry in ClinVar:

NM_004281.4(BAG3):c.179A>G (p.Lys60Arg)

Gene: BAG3 (BAG cochaperone 3; plus strand). Cytogenetic location: 10q26.11.
Variant type: single nucleotide variant.
Coding change: c.179A>G on transcript NM_004281.4 (MANE Select); coding-DNA position 179, A replaced by G.
Protein change: p.Lys60Arg; replaces lysine 60 with arginine.
Molecular consequence: missense variant.
Genome position (GRCh38, 1-based): chr10:119,651,854, A>G. VCF-style: chr10-119651854-A-G. GRCh37 (hg19) VCF-style: chr10-121411366-A-G.
Other names: short protein forms K60R.
Identifiers: ClinVar variation 1003688 (VCV001003688.8), dbSNP rs1212877946, ClinGen allele CA378294344.

ClinVar aggregate classification (germline): Uncertain significance (1 of 4 stars; one submission).

Conditions:
Myofibrillar myopathy 6. Identifiers: Orphanet 199340, MedGen C2751831, MONDO:0013061, OMIM 612954.
Dilated cardiomyopathy 1HH (CMD1HH). Identifiers: Orphanet 154, MedGen C3151293, MONDO:0013479, OMIM 613881.

Allele frequency attached by ClinVar (database versions not stated): gnomAD exomes below 0.00001; gnomAD 0.00001.
gnomAD v4.1: 5 of 1,562,168 alleles (0.00032%); highest among the groups gnomAD compares: African/African-American, 0.0056%; no homozygotes.

Submission:

Labcorp Genetics (formerly Invitae), Labcorp
Classification: Uncertain significance for Dilated cardiomyopathy 1HH; Myofibrillar myopathy 6. Last evaluated: 2024-05-04. Review status: criteria provided, single submitter. Criteria: Invitae Variant Classification Sherloc (09022015). Collection method: clinical testing. Allele origin: germline.
Comment: This sequence change replaces lysine, which is basic and polar, with arginine, which is basic and polar, at codon 60 of the BAG3 protein (p.Lys60Arg). This variant is present in population databases (no rsID available, gnomAD 0.01%). This variant has not been reported in the literature in individuals affected with BAG3-related conditions. ClinVar contains an entry for this variant (Variation ID: 1003688). An algorithm developed to predict the effect of missense changes on protein structure and function (PolyPhen-2) suggests that this variant is likely to be tolerated. In summary, the available evidence is currently insufficient to determine the role of this variant in disease. Therefore, it has been classified as a Variant of Uncertain Significance.